The following is an entry in ClinVar:

NM_001354712.2(THRB):c.989T>C (p.Leu330Ser)

Gene: THRB (thyroid hormone receptor beta; minus strand). Cytogenetic location: 3p24.2.
Variant type: single nucleotide variant.
Coding change: c.989T>C on transcript NM_001354712.2 (MANE Select); coding-DNA position 989, T replaced by C.
Protein change: p.Leu330Ser; replaces leucine 330 with serine.
Molecular consequence: missense variant. On other transcripts: intron variant (1).
Genome position (GRCh38, 1-based): chr3:24,127,654, A>G on the plus strand (T>C on the coding strand, the complement: THRB is on the minus strand). VCF-style: chr3-24127654-A-G. GRCh37 (hg19) VCF-style: chr3-24169145-A-G.
Other names: c.989T>C, p.Leu330Ser (NM_000461.5, NM_001128176.3, NM_001128177.2 and 11 more transcripts); c.896T>C, p.Leu299Ser (NM_001354714.2, NM_001354715.2); c.973+16T>C (NM_001374827.1); short protein forms L299S, L330S.
Identifiers: ClinVar variation 4890880 (VCV004890880.1).
Genomic context (GRCh38, chr3:24,127,654, plus strand): 5'-GACACCACCCCAAGACCCCCATTTTTCAGCTGGCCCCGTGTCACTGCCATTTCCCCATTC[A>G]AGGTTAAAGTCTCACTTTCTGGGTCATAGCGCACAGCAGCGCGAAGGGACATGATCTCCA-3'
Protein context (NP_001341641.1, residues 320-340): RYDPESETLT[Leu330Ser]NGEMAVTRGQ

ClinVar aggregate classification (germline): Pathogenic (1 of 4 stars; one submission).

Conditions:
Hyperthyroidism. Identifiers: MedGen C0020550, MONDO:0004425, HP:0000836.

Submission:

Cambridge Genomics Laboratory, East Genomic Laboratory Hub, NHS Genomic Medicine Service
Classification: Pathogenic for Hyperthyroidism. Last evaluated: 2026-09-01. Review status: criteria provided, single submitter. Criteria: ACGS Best Practice Guidelines for Variant Classification in Rare Disease 2020. Collection method: clinical testing. Allele origin: germline. Affected: yes.
Comment: PS3_Supporting,PM1_Supporting,PM2,PM6,PP1,PP2,PP3,PP4